The following is an entry in ClinVar:

NM_000440.3(PDE6A):c.2368C>T (p.Arg790Cys)

Gene: PDE6A (phosphodiesterase 6A; minus strand). Cytogenetic location: 5q32.
Variant type: single nucleotide variant.
Coding change: c.2368C>T on transcript NM_000440.3 (MANE Select); coding-DNA position 2368, C replaced by T.
Protein change: p.Arg790Cys; replaces arginine 790 with cysteine.
Molecular consequence: missense variant.
Genome position (GRCh38, 1-based): chr5:149,863,257, G>A on the plus strand (C>T on the coding strand, the complement: PDE6A is on the minus strand). VCF-style: chr5-149863257-G-A. GRCh37 (hg19) VCF-style: chr5-149242820-G-A.
Other names: c.2125C>T, p.Arg709Cys (NM_001410788.1); short protein forms R709C, R790C.
Identifiers: ClinVar variation 2506196 (VCV002506196.2), dbSNP rs150879429, ClinGen allele CA3504297.

ClinVar aggregate classification (germline): Uncertain significance. Review status: criteria provided, multiple submitters, no conflicts (2 of 4 stars). 2 submissions from 2 submitters: Uncertain significance (2). Last evaluated 2023-05-10.

Allele frequency attached by ClinVar (database versions not stated): gnomAD 0.00005; TOPMed 0.00005; gnomAD exomes 0.00007; ESP Exome Variant Server 0.00015; ExAC 0.00019.
gnomAD v4.1: 111 of 1,614,016 alleles (0.0069%); highest among the groups gnomAD compares: Middle Eastern, 0.016%; no homozygotes.

Submissions (2):

Blueprint Genetics
Classification: Uncertain significance. Last evaluated: 2023-05-10. Review status: criteria provided, single submitter. Criteria: ACMG Guidelines, 2015. Collection method: clinical testing. Allele origin: germline.

Women's Health and Genetics/Laboratory Corporation of America, LabCorp
Classification: Uncertain significance. Last evaluated: 2023-05-05. Review status: criteria provided, single submitter. Criteria: LabCorp Variant Classification Summary - May 2015. Collection method: clinical testing. Allele origin: germline.
Comment: Variant summary: PDE6A c.2368C>T (p.Arg790Cys) results in a non-conservative amino acid change located in the 3'5'-cyclic nucleotide phosphodiesterase, catalytic domain (IPR002073) of the encoded protein sequence. Five of five in-silico tools predict a damaging effect of the variant on protein function. The variant allele was found at a frequency of 0.00019 in 251454 control chromosomes (gnomAD). c.2368C>T has been reported in the literature as a complex genotype in one individual affected with Rod-Cone Dystrophy (Khateb_2019). This report does not provide unequivocal conclusions about association of the variant with Retinitis pigmentosa 43. To our knowledge, no experimental evidence demonstrating an impact on protein function has been reported. The following publication have been ascertained in the context of this evaluation (PMID: 30998820). No clinical diagnostic laboratories have submitted clinical-significance assessments for this variant to ClinVar after 2014. Based on the evidence outlined above, the variant was classified as uncertain significance.

Literature cited by the submitters: PubMed 30998820 (cited by Women's Health and Genetics/Laboratory Corporation of America, LabCorp).